The following is an entry in ClinVar:

NM_022455.5(NSD1):c.6332G>A (p.Gly2111Asp)

Gene: NSD1 (nuclear receptor binding SET domain protein 1; plus strand). Cytogenetic location: 5q35.3.
Variant type: single nucleotide variant.
Coding change: c.6332G>A on transcript NM_022455.5 (MANE Select); coding-DNA position 6332, G replaced by A.
Protein change: p.Gly2111Asp; replaces glycine 2111 with aspartic acid.
Molecular consequence: missense variant.
Genome position (GRCh38, 1-based): chr5:177,292,027, G>A. VCF-style: chr5-177292027-G-A. GRCh37 (hg19) VCF-style: chr5-176719028-G-A.
Other names: c.6332G>A, p.Gly2111Asp (NM_001409301.1, NM_001409302.1, NM_001409303.1); c.5912G>A, p.Gly1971Asp (NM_001409304.1); c.5579G>A, p.Gly1860Asp (NM_001409305.1); c.5570G>A, p.Gly1857Asp (NM_001409306.1, NM_001409307.1); c.5459G>A, p.Gly1820Asp (NM_001409308.1, NM_172349.5, NM_001365684.2); c.5210G>A, p.Gly1737Asp (NM_001409309.1); short protein forms G1737D, G1860D, G2111D, G1820D, G1971D, G1857D.
Identifiers: ClinVar variation 3633027 (VCV003633027.2).

ClinVar aggregate classification (germline): Uncertain significance (1 of 4 stars; one submission).

Submission:

Labcorp Genetics (formerly Invitae), Labcorp
Classification: Uncertain significance. Last evaluated: 2023-08-27. Review status: criteria provided, single submitter. Criteria: Invitae Variant Classification Sherloc (09022015). Collection method: clinical testing. Allele origin: germline.
Comment: This sequence change replaces glycine, which is neutral and non-polar, with aspartic acid, which is acidic and polar, at codon 2111 of the NSD1 protein (p.Gly2111Asp). This variant is not present in population databases (gnomAD no frequency). This variant has not been reported in the literature in individuals affected with NSD1-related conditions. Advanced modeling of protein sequence and biophysical properties (such as structural, functional, and spatial information, amino acid conservation, physicochemical variation, residue mobility, and thermodynamic stability) performed at Invitae indicates that this missense variant is not expected to disrupt NSD1 protein function. In summary, the available evidence is currently insufficient to determine the role of this variant in disease. Therefore, it has been classified as a Variant of Uncertain Significance.